The following is an entry in ClinVar:

ClinVar aggregate classification (germline): Conflicting classifications of pathogenicity. Review status: criteria provided, conflicting classifications (1 of 4 stars). 4 submissions from 4 submitters: Uncertain significance (2); Likely benign (1). 1 of the submissions does not count toward it. Last evaluated 2022-08-31.

Conditions:
Usher syndrome type 1B (USH1B). Also called: Usher syndrome type IB. Identifiers: MedGen C1848638, MONDO:0700087.

Allele frequency attached by ClinVar (database versions not stated): ExAC 0.00002; gnomAD 0.00002; gnomAD exomes 0.00002; TOPMed 0.00002; ESP Exome Variant Server 0.00008.
gnomAD v4.1: 28 of 1,582,286 alleles (0.0018%); highest among the groups gnomAD compares: South Asian, 0.0034%; no homozygotes.

Submissions (4):

Labcorp Genetics (formerly Invitae), Labcorp
Classification: Uncertain significance. Last evaluated: 2022-08-31. Review status: criteria provided, single submitter. Criteria: Invitae Variant Classification Sherloc (09022015). Collection method: clinical testing. Allele origin: germline.
Comment: This sequence change affects codon 1617 of the MYO7A mRNA. It is a 'silent' change, meaning that it does not change the encoded amino acid sequence of the MYO7A protein. It affects a nucleotide within the consensus splice site. This variant is present in population databases (rs372535399, gnomAD 0.004%). This variant has not been reported in the literature in individuals affected with MYO7A-related conditions. ClinVar contains an entry for this variant (Variation ID: 178488). Algorithms developed to predict the effect of sequence changes on RNA splicing suggest that this variant is not likely to affect RNA splicing. In summary, the available evidence is currently insufficient to determine the role of this variant in disease. Therefore, it has been classified as a Variant of Uncertain Significance.

Eurofins Ntd Llc (ga)
Classification: Uncertain significance. Last evaluated: 2018-05-14. Review status: criteria provided, single submitter. Criteria: EGL ClinVar v180209 classification definitions. Collection method: clinical testing. Allele origin: germline. Observed: 1 variant allele, 1 heterozygote.

Laboratory for Molecular Medicine, Mass General Brigham Personalized Medicine
Classification: Likely benign. Last evaluated: 2013-09-18. Review status: criteria provided, single submitter. Criteria: LMM Criteria. Collection method: clinical testing. Allele origin: germline. Observed: 1 variant allele.
Comment: Pro1617Pro in Exon 35 of MYO7A: This variant is not expected to have clinical s ignificance because it does not alter an amino acid residue, and, although it is located in the penultimate base pair of exon 35, it is not predicted to alter s plicing.

Natera, Inc.
Classification: Uncertain significance for Usher syndrome type 1B. Last evaluated: 2020-01-24. Review status: no assertion criteria provided. Collection method: clinical testing. Allele origin: germline. Not counted in ClinVar's aggregate classification.

NM_000260.4(MYO7A):c.4851C>T (p.Pro1617=)

Gene: MYO7A (myosin VIIA; plus strand). Cytogenetic location: 11q13.5.
Variant type: single nucleotide variant.
Coding change: c.4851C>T on transcript NM_000260.4 (MANE Select); coding-DNA position 4851, C replaced by T.
Protein change: p.Pro1617=; no amino-acid change (proline 1617 retained).
Molecular consequence: synonymous variant.
Genome position (GRCh38, 1-based): chr11:77,199,817, C>T. VCF-style: chr11-77199817-C-T. GRCh37 (hg19) VCF-style: chr11-76910862-C-T.
Other names: c.4737C>T, p.Pro1579= (NM_001127180.2); c.4704C>T, p.Pro1568= (NM_001369365.1).
Identifiers: ClinVar variation 178488 (VCV000178488.17), dbSNP rs372535399, ClinGen allele CA182424.